The following is an entry in ClinVar:

NM_006231.4(POLE):c.2465A>G (p.Lys822Arg)

Gene: POLE (DNA polymerase epsilon, catalytic subunit; minus strand). Cytogenetic location: 12q24.33.
Variant type: single nucleotide variant.
Coding change: c.2465A>G on transcript NM_006231.4 (MANE Select); coding-DNA position 2465, A replaced by G.
Protein change: p.Lys822Arg; replaces lysine 822 with arginine.
Molecular consequence: missense variant.
Genome position (GRCh38, 1-based): chr12:132,665,305, T>C on the plus strand (A>G on the coding strand, the complement: POLE is on the minus strand). VCF-style: chr12-132665305-T-C. GRCh37 (hg19) VCF-style: chr12-133241891-T-C.
Other names: short protein forms K822R.
Identifiers: ClinVar variation 854713 (VCV000854713.14), dbSNP rs986217332, ClinGen allele CA246319252.

ClinVar aggregate classification (germline): Conflicting classifications of pathogenicity. Review status: criteria provided, conflicting classifications (1 of 4 stars). 3 submissions from 3 submitters: Uncertain significance (2); Likely benign (1). Last evaluated 2025-08-07.

Conditions:
Hereditary cancer-predisposing syndrome. Also called: Neoplastic Syndromes, Hereditary; Hereditary Cancer Syndrome; Tumor predisposition; Hereditary neoplastic syndrome. Identifiers: Orphanet 140162, MedGen C0027672, MeSH D009386, MONDO:0015356.
POLE-related disorder. Also called: POLE-related condition; POLE-related disorders.

Allele frequency attached by ClinVar (database versions not stated): gnomAD exomes below 0.00001; TOPMed 0.00002.
gnomAD v4.1: 1 of 1,613,366 alleles (0.000062%); highest among the groups gnomAD compares: African/African-American, 0.0013%; no homozygotes.

Submissions (3):

Labcorp Genetics (formerly Invitae), Labcorp
Classification: Uncertain significance. Last evaluated: 2025-08-07. Review status: criteria provided, single submitter. Criteria: Invitae Variant Classification Sherloc (09022015). Collection method: clinical testing. Allele origin: germline.
Comment: This sequence change replaces lysine, which is basic and polar, with arginine, which is basic and polar, at codon 822 of the POLE protein (p.Lys822Arg). This variant is not present in population databases (gnomAD no frequency). This variant has not been reported in the literature in individuals affected with POLE-related conditions. ClinVar contains an entry for this variant (Variation ID: 854713). Invitae Evidence Modeling of protein sequence and biophysical properties (such as structural, functional, and spatial information, amino acid conservation, physicochemical variation, residue mobility, and thermodynamic stability) indicates that this missense variant is not expected to disrupt POLE protein function with a negative predictive value of 80%. In summary, the available evidence is currently insufficient to determine the role of this variant in disease. Therefore, it has been classified as a Variant of Uncertain Significance.

Ambry Genetics
Classification: Likely benign for Hereditary cancer-predisposing syndrome. Last evaluated: 2024-12-13. Review status: criteria provided, single submitter. Criteria: Ambry Variant Classification Scheme 2023. Collection method: clinical testing. Allele origin: germline.

PreventionGenetics, part of Exact Sciences
Classification: Uncertain significance for POLE-related condition. Last evaluated: 2022-08-31. Review status: criteria provided, single submitter. Criteria: ACMG Guidelines, 2015. Collection method: clinical testing. Allele origin: germline.
Comment: The POLE c.2465A>G variant is predicted to result in the amino acid substitution p.Lys822Arg. To our knowledge, this variant has not been reported in the literature. This variant is reported in 0.0062% of alleles in individuals of African descent in gnomAD. This variant is listed in ClinVar as uncertain. At this time, the clinical significance of this variant is uncertain due to the absence of conclusive functional and genetic evidence.